The following is an entry in ClinVar:

ClinVar aggregate classification (germline): Uncertain significance. Review status: criteria provided, multiple submitters, no conflicts (2 of 4 stars). 5 submissions from 5 submitters: Uncertain significance (5). Last evaluated 2025-10-06.

Conditions:
Vesicoureteral reflux 8 (VUR8). Identifiers: Orphanet 289365, MedGen C4014831, MONDO:0014422, OMIM 615963.
Ehlers-Danlos syndrome due to tenascin-X deficiency (EDSCLL1). Also called: EDS DUE TO TNX DEFICIENCY; TNXB-Related Classical-Like Ehlers-Danlos Syndrome; EHLERS-DANLOS SYNDROME, CLASSIC-LIKE; Ehlers-Danlos syndrome, classic-like, 1; TNX DEFICIENCY. Identifiers: Orphanet 230839, MedGen C1848029, MONDO:0011670, OMIM 606408.
Cardiovascular phenotype. Identifiers: MedGen CN230736.
TNXB-related disorder. Also called: TNXB-related condition.

Allele frequency attached by ClinVar (database versions not stated): ESP Exome Variant Server 0.00016; gnomAD 0.00016 and 0.00018; TOPMed 0.00017; gnomAD exomes 0.00021 and 0.00031; ExAC 0.00032; 1000 Genomes Project 0.00040; 1000 Genomes Project 30x 0.00047.
gnomAD v4.1: 485 of 1,612,774 alleles (0.03%); highest among the groups gnomAD compares: Non-Finnish European, 0.037%; no homozygotes.

Submissions (5):

Women's Health and Genetics/Laboratory Corporation of America, LabCorp
Classification: Uncertain significance. Last evaluated: 2025-10-06. Review status: criteria provided, single submitter. Criteria: LabCorp Variant Classification Summary - May 2015. Collection method: clinical testing. Allele origin: germline.
Comment: Variant summary: TNXB c.5416T>C (p.Phe1806Leu) results in a non-conservative amino acid change in the encoded protein sequence. Algorithms developed to predict the effect of missense changes on protein structure and function are either unavailable or do not agree on the potential impact of this missense change. The variant allele was found at a frequency of 0.00021 in 248032 control chromosomes. This frequency is not significantly higher than estimated for disease-causing variants in TNXB, allowing no conclusion about variant significance. To our knowledge, no occurrence of c.5416T>C in individuals affected with TNXB-related conditions and no experimental evidence demonstrating its impact on protein function have been reported. ClinVar contains an entry for this variant (Variation ID: 626036). Based on the evidence outlined above, the variant was classified as uncertain significance.

PreventionGenetics, part of Exact Sciences
Classification: Uncertain significance for TNXB-related condition. Last evaluated: 2025-06-02. Review status: criteria provided, single submitter. Criteria: ACMG Guidelines, 2015. Collection method: clinical testing. Allele origin: germline.
Comment: The TNXB c.5416T>C variant is predicted to result in the amino acid substitution p.Phe1806Leu. To our knowledge, this variant has not been reported in the literature. This variant is reported in 0.037% of alleles in individuals of European (Non-Finnish) descent in gnomAD. At this time, the clinical significance of this variant is uncertain due to the absence of conclusive functional and genetic evidence.

Ambry Genetics
Classification: Uncertain significance for Cardiovascular phenotype. Last evaluated: 2025-04-12. Review status: criteria provided, single submitter. Criteria: Ambry Variant Classification Scheme 2023. Collection method: clinical testing. Allele origin: germline.

GeneDx
Classification: Uncertain significance. Last evaluated: 2023-04-24. Review status: criteria provided, single submitter. Criteria: GeneDx Variant Classification Process June 2021. Collection method: clinical testing. Allele origin: germline. Affected: yes.
Comment: Has not been previously published as pathogenic or benign to our knowledge; In silico analysis supports that this missense variant has a deleterious effect on protein structure/function

Center for Genomics, Ann and Robert H. Lurie Children's Hospital of Chicago
Classification: Uncertain significance for Ehlers-Danlos syndrome due to tenascin-X deficiency; Vesicoureteral reflux 8. Review status: criteria provided, single submitter. Criteria: ACMG Guidelines, 2015. Collection method: clinical testing. Allele origin: germline.
Comment: TNXB NM_019105.6 exon 15 p.Phe1806Leu (c.5416T>C): This variant has not been reported in the literature but is present in 50/126170 European alleles in the Genome Aggregation Database. Evolutionary conservation and computational predictive tools for this variant are unclear. In summary, data on this variant is insufficient for disease classification. Therefore, the clinical significance of this variant is uncertain.

NM_001365276.2(TNXB):c.5416T>C (p.Phe1806Leu)

Gene: TNXB (tenascin XB; minus strand). Cytogenetic location: 6p21.33.
Variant type: single nucleotide variant.
Coding change: c.5416T>C on transcript NM_001365276.2 (MANE Select); coding-DNA position 5416, T replaced by C.
Protein change: p.Phe1806Leu; replaces phenylalanine 1806 with leucine.
Molecular consequence: missense variant.
Genome position (GRCh38, 1-based): chr6:32,069,724, A>G on the plus strand (T>C on the coding strand, the complement: TNXB is on the minus strand). VCF-style: chr6-32069724-A-G. GRCh37 (hg19) VCF-style: chr6-32037501-A-G.
Other names: c.5416T>C, p.Phe1806Leu (NM_019105.8); short protein forms F1806L.
Identifiers: ClinVar variation 626036 (VCV000626036.10), dbSNP rs184813324, ClinGen allele CA3734715.